The following is an entry in ClinVar:

NM_001130144.3(LTBP3):c.1942C>A (p.Arg648Ser)

Genes: LTBP3 (latent transforming growth factor beta binding protein 3; minus strand), LOC130006032 (ATAC-STARR-seq lymphoblastoid silent region 3535; plus strand). Cytogenetic location: 11q13.1.
Variant type: single nucleotide variant.
Coding change: c.1942C>A on transcript NM_001130144.3 (MANE Select); coding-DNA position 1942, C replaced by A.
Protein change: p.Arg648Ser; replaces arginine 648 with serine.
Molecular consequence: missense variant.
Genome position (GRCh38, 1-based): chr11:65,547,726, G>T on the plus strand (C>A on the coding strand, the complement: LTBP3 is on the minus strand). VCF-style: chr11-65547726-G-T. GRCh37 (hg19) VCF-style: chr11-65315197-G-T.
Other names: c.1591C>A, p.Arg531Ser (NM_001164266.1); c.1942C>A, p.Arg648Ser (NM_021070.4); short protein forms R648S, R531S.
Identifiers: ClinVar variation 1509355 (VCV001509355.9), dbSNP rs763889449, ClinGen allele CA6100797.
Genomic context (GRCh38, chr11:65,547,726, plus strand): 5'-CGCCTCCGCCCTGGCGGCGCTCACCCACGCACGAGCGCCCCCCGGCGCCCACGTGCAGGC[G>T]GTAGCCGCGGTTGCAGTGGCAATTGTAGGAGCCGCCGGTGTTCATGCAGATGCCCCTCCC-3'
Protein context (NP_001123616.1, residues 638-658): SYNCHCNRGY[Arg648Ser]LHVGAGGRSC

ClinVar aggregate classification (germline): Uncertain significance. Review status: criteria provided, multiple submitters, no conflicts (2 of 4 stars). 2 submissions from 2 submitters: Uncertain significance (2). Last evaluated 2025-12-10.

Conditions:
Brachyolmia-amelogenesis imperfecta syndrome. Also called: Tooth agenesis, selective, 6; Dental anomalies and short stature; PLATYSPONDYLY WITH AMELOGENESIS IMPERFECTA. Identifiers: Orphanet 2899, MedGen C1832594, MONDO:0011018, OMIM 601216. Disease mechanism: loss of function.
Inborn genetic diseases. Identifiers: MedGen C0950123, MeSH D030342.

Allele frequency attached by ClinVar (database versions not stated): TOPMed below 0.00001; gnomAD 0.00001 and 0.00002; ExAC 0.00011.

Submissions (2):

Labcorp Genetics (formerly Invitae), Labcorp
Classification: Uncertain significance for Brachyolmia-amelogenesis imperfecta syndrome. Last evaluated: 2025-12-10. Review status: criteria provided, single submitter. Criteria: Invitae Variant Classification Sherloc (09022015). Collection method: clinical testing. Allele origin: germline.
Comment: This sequence change replaces arginine, which is basic and polar, with serine, which is neutral and polar, at codon 648 of the LTBP3 protein (p.Arg648Ser). This variant is present in population databases (rs763889449, gnomAD 0.05%). This variant has not been reported in the literature in individuals affected with LTBP3-related conditions. ClinVar contains an entry for this variant (Variation ID: 1509355). An algorithm developed to predict the effect of missense changes on protein structure and function (PolyPhen-2) suggests that this variant is likely to be tolerated. In summary, the available evidence is currently insufficient to determine the role of this variant in disease. Therefore, it has been classified as a Variant of Uncertain Significance.

Ambry Genetics
Classification: Uncertain significance for Inborn genetic diseases. Last evaluated: 2025-10-22. Review status: criteria provided, single submitter. Criteria: Ambry Variant Classification Scheme 2023. Collection method: clinical testing. Allele origin: germline.